The following is an entry in ClinVar:

ClinVar aggregate classification (germline): Uncertain significance (1 of 4 stars; one submission).

Submission:

Labcorp Genetics (formerly Invitae), Labcorp
Classification: Uncertain significance. Last evaluated: 2021-12-19. Review status: criteria provided, single submitter. Criteria: Invitae Variant Classification Sherloc (09022015). Collection method: clinical testing. Allele origin: germline.
Comment: This variant has not been reported in the literature in individuals affected with CDT1-related conditions. This sequence change replaces cysteine, which is neutral and slightly polar, with proline, which is neutral and non-polar, at codon 234 of the CDT1 protein (p.Cys234Pro). This variant is present in population databases (no rsID available, gnomAD 1.3%). Algorithms developed to predict the effect of missense changes on protein structure and function are either unavailable or do not agree on the potential impact of this missense change (SIFT: "Not Available"; PolyPhen-2: "Benign"; Align-GVGD: "Not Available"). In summary, the available evidence is currently insufficient to determine the role of this variant in disease. Therefore, it has been classified as a Variant of Uncertain Significance.

NM_030928.4(CDT1):c.700_701delinsCC (p.Cys234Pro)

Gene: CDT1 (chromatin licensing and DNA replication factor 1; plus strand). Cytogenetic location: 16q24.3.
Variant type: Indel.
Coding change: c.700_701delinsCC on transcript NM_030928.4 (MANE Select); coding-DNA positions 700 to 701, TG replaced by CC.
Protein change: p.Cys234Pro; replaces cysteine 234 with proline.
Molecular consequence: missense variant.
Genome position (GRCh38, 1-based): chr16:88,805,737-88,805,738, TG replaced by CC. VCF-style: chr16-88805737-TG-CC. GRCh37 (hg19) VCF-style: chr16-88872145-TG-CC.
Other names: short protein forms C234P.
Identifiers: ClinVar variation 1947447 (VCV001947447.5), dbSNP rs2508204248, ClinGen allele CA2580092337.
Genomic context (GRCh38, chr16:88,805,737, plus strand): 5'-GGGGTGGGCCCGGGCCTGCCTCCTGAGCCGCCCCCATCCTCCCATAGGCGTTTTGAGGAG[TG>CC]CAATGTTGGCCAGATCAAAACCGTGTACCCGGCCTCCTACCGCTTCCGCCAGGAGCGCAG-3'
Protein context (NP_112190.2, residues 224-244): QDMMRRRFEE[Cys234Pro]NVGQIKTVYP